The following is an entry in ClinVar:

ClinVar aggregate classification (germline): Likely benign (1 of 4 stars; one submission).

gnomAD v4.1: 1 of 1,602,696 alleles (0.000062%); highest among the groups gnomAD compares: Non-Finnish European, 0.000085%; no homozygotes.

Submission:

GeneDx
Classification: Likely benign. Last evaluated: 2016-11-14. Review status: criteria provided, single submitter. Criteria: GeneDx Variant Classification (06012015). Collection method: clinical testing. Allele origin: germline. Affected: yes.
Comment: This variant is considered likely benign or benign based on one or more of the following criteria: it is a conservative change, it occurs at a poorly conserved position in the protein, it is predicted to be benign by multiple in silico algorithms, and/or has population frequency not consistent with disease.

NM_001199107.2(TBC1D24):c.1449G>C (p.Leu483=)

Gene: TBC1D24 (TBC1 domain family member 24; plus strand). Cytogenetic location: 16p13.3.
Variant type: single nucleotide variant.
Coding change: c.1449G>C on transcript NM_001199107.2 (MANE Select); coding-DNA position 1449, G replaced by C.
Protein change: p.Leu483=; no amino-acid change (leucine 483 retained).
Molecular consequence: synonymous variant.
Genome position (GRCh38, 1-based): chr16:2,500,414, G>C. VCF-style: chr16-2500414-G-C. GRCh37 (hg19) VCF-style: chr16-2550415-G-C.
Other names: c.1431G>C, p.Leu477= (NM_020705.3).
Identifiers: ClinVar variation 390998 (VCV000390998.1), dbSNP rs753258278, ClinGen allele CA16607239.
Genomic context (GRCh38, chr16:2,500,414, plus strand): 5'-CACCGCCCCACTCAGCCACTCCGCCTCCTCAGACCCCGCTGACCGCCTCTCGCCCTTCCT[G>C]GCCGCTCGCCACTTCAACCTGCCCTCCAAGACCGAGTCCATGTTCATGGCGGGGGGCAGC-3'
Protein context (NP_001186036.1, residues 473-493): SDPADRLSPF[Leu483=]AARHFNLPSK